The following is an entry in ClinVar:

NM_007294.4(BRCA1):c.662C>T (p.Ala221Val)

Gene: BRCA1 (BRCA1 DNA repair associated; minus strand). Cytogenetic location: 17q21.31.
Variant type: single nucleotide variant.
Coding change: c.662C>T on transcript NM_007294.4 (MANE Select); coding-DNA position 662, C replaced by T.
Protein change: p.Ala221Val; replaces alanine 221 with valine.
Molecular consequence: missense variant. On other transcripts: non-coding transcript variant (1).
Genome position (GRCh38, 1-based): chr17:43,095,854, G>A on the plus strand (C>T on the coding strand, the complement: BRCA1 is on the minus strand). VCF-style: chr17-43095854-G-A. GRCh37 (hg19) VCF-style: chr17-41247871-G-A.
Other names: c.659C>T, p.Ala220Val (NM_001407860.1, NM_001407861.1, NM_001408402.1 and 41 more transcripts); c.452C>T, p.Ala151Val (NM_001407879.1, NM_001407881.1, NM_001407882.1 and 27 more transcripts); c.662C>T, p.Ala221Val (NM_001408403.1, NM_001408404.1, NM_001408406.1 and 59 more transcripts); c.653C>T, p.Ala218Val (NM_001408408.1, NM_001407646.1, NM_001407647.1); c.521C>T, p.Ala174Val (NM_001407944.1, NM_001407945.1, NM_001408410.1 and 43 more transcripts); c.281C>T, p.Ala94Val (NM_001407959.1, NM_001407960.1, NM_001407963.1 and 1 more transcripts); c.278C>T, p.Ala93Val (NM_001407962.1); c.518C>T, p.Ala173Val (NM_001407964.1, NM_001408462.1, NM_001408463.1 and 26 more transcripts); and 4 more; short protein forms A221V, A174V, A195V, A151V, A176V, A218V, A220V, A93V.
Identifiers: ClinVar variation 826519 (VCV000826519.8), dbSNP rs1597881888, ClinGen allele CA10600775.
Genomic context (GRCh38, chr17:43,095,854, plus strand): 5'-ATCTACCCACTCTCTTTTCAGTGCCTGTTAAGTTGGCAAACTTTGCCATTACCCTTTTTT[G>A]CAGAATCCAAACTGATTTCATCCCTGGTTCCTTGAGGGGTGATTTGTAACAATTCTTGAT-3'
Protein context (NP_009225.1, residues 211-231): GTRDEISLDS[Ala221Val]KKAACEFSET

ClinVar aggregate classification (germline): Uncertain significance. Review status: criteria provided, multiple submitters, no conflicts (2 of 4 stars). 2 submissions from 2 submitters: Uncertain significance (2). Last evaluated 2023-06-04.

Conditions:
Hereditary cancer-predisposing syndrome. Also called: Neoplastic Syndromes, Hereditary; Tumor predisposition; Hereditary neoplastic syndrome; Hereditary Cancer Syndrome. Identifiers: Orphanet 140162, MedGen C0027672, MeSH D009386, MONDO:0015356.
Hereditary breast ovarian cancer syndrome. Also called: Hereditary breast and ovarian cancer syndrome; Hereditary breast and ovarian cancer; Hereditary breast and ovarian cancer syndrome (HBOC); Breast and ovarian cancer; Hereditary breast and/or ovarian cancer syndrome; BRCA1- and BRCA2-Associated Hereditary Breast and Ovarian Cancer. Identifiers: Orphanet 145, MedGen C0677776, MeSH D061325, MONDO:0003582. Disease mechanism: loss of function.

Allele frequency attached by ClinVar (database versions not stated): gnomAD exomes below 0.00001.

Submissions (2):

Labcorp Genetics (formerly Invitae), Labcorp
Classification: Uncertain significance for Hereditary breast ovarian cancer syndrome. Last evaluated: 2023-06-04. Review status: criteria provided, single submitter. Criteria: Invitae Variant Classification Sherloc (09022015). Collection method: clinical testing. Allele origin: germline.
Comment: This variant has not been reported in the literature in individuals affected with BRCA1-related conditions. In summary, the available evidence is currently insufficient to determine the role of this variant in disease. Therefore, it has been classified as a Variant of Uncertain Significance. Algorithms developed to predict the effect of sequence changes on RNA splicing suggest that this variant may disrupt the consensus splice site. Advanced modeling of protein sequence and biophysical properties (such as structural, functional, and spatial information, amino acid conservation, physicochemical variation, residue mobility, and thermodynamic stability) performed at Invitae indicates that this missense variant is not expected to disrupt BRCA1 protein function. ClinVar contains an entry for this variant (Variation ID: 826519). This variant is not present in population databases (gnomAD no frequency). This sequence change replaces alanine, which is neutral and non-polar, with valine, which is neutral and non-polar, at codon 221 of the BRCA1 protein (p.Ala221Val).

Ambry Genetics
Classification: Uncertain significance for Hereditary cancer-predisposing syndrome. Last evaluated: 2019-05-10. Review status: criteria provided, single submitter. Criteria: Ambry Variant Classification Scheme 2023. Collection method: clinical testing. Allele origin: germline.
Comment: The p.A221V variant (also known as c.662C>T), located in coding exon 8 of the BRCA1 gene, results from a C to T substitution at nucleotide position 662. The alanine at codon 221 is replaced by valine, an amino acid with similar properties. This amino acid position is not well conserved in available vertebrate species. In addition, this alteration is predicted to be deleterious by in silico analysis. Since supporting evidence is limited at this time, the clinical significance of this alteration remains unclear.